The following is an entry in ClinVar:

ClinVar aggregate classification (germline): Uncertain significance (1 of 4 stars; one submission).

Conditions:
Noonan syndrome 9 (NS9). Identifiers: Orphanet 648, MedGen C4225282, MONDO:0014691, OMIM 616559.

Submission:

Labcorp Genetics (formerly Invitae), Labcorp
Classification: Uncertain significance for Noonan syndrome 9. Last evaluated: 2020-03-12. Review status: criteria provided, single submitter. Criteria: Invitae Variant Classification Sherloc (09022015). Collection method: clinical testing. Allele origin: germline.
Comment: In summary, the available evidence is currently insufficient to determine the role of this variant in disease. Therefore, it has been classified as a Variant of Uncertain Significance. Algorithms developed to predict the effect of missense changes on protein structure and function (SIFT, PolyPhen-2, Align-GVGD) all suggest that this variant is likely to be tolerated, but these predictions have not been confirmed by published functional studies and their clinical significance is uncertain. This variant has not been reported in the literature in individuals with SOS2-related conditions. This variant is not present in population databases (ExAC no frequency). This sequence change replaces methionine with leucine at codon 175 of the SOS2 protein (p.Met175Leu). The methionine residue is highly conserved and there is a small physicochemical difference between methionine and leucine.

NM_006939.4(SOS2):c.523A>C (p.Met175Leu)

Gene: SOS2 (SOS Ras/Rho guanine nucleotide exchange factor 2; minus strand). Cytogenetic location: 14q21.3.
Variant type: single nucleotide variant.
Coding change: c.523A>C on transcript NM_006939.4 (MANE Select); coding-DNA position 523, A replaced by C.
Protein change: p.Met175Leu; replaces methionine 175 with leucine.
Molecular consequence: missense variant.
Genome position (GRCh38, 1-based): chr14:50,188,688, T>G on the plus strand (A>C on the coding strand, the complement: SOS2 is on the minus strand). VCF-style: chr14-50188688-T-G. GRCh37 (hg19) VCF-style: chr14-50655406-T-G.
Other names: short protein forms M175L.
Identifiers: ClinVar variation 1003037 (VCV001003037.8), dbSNP rs1336823806, ClinGen allele CA389648349.